The following is an entry in ClinVar:

NM_004715.5(CTDP1):c.2239C>T (p.Arg747Trp)

Gene: CTDP1 (CTD phosphatase subunit 1; plus strand). Cytogenetic location: 18q23.
Variant type: single nucleotide variant.
Coding change: c.2239C>T on transcript NM_004715.5 (MANE Select); coding-DNA position 2239, C replaced by T.
Protein change: p.Arg747Trp; replaces arginine 747 with tryptophan.
Molecular consequence: missense variant.
Genome position (GRCh38, 1-based): chr18:79,717,838, C>T. VCF-style: chr18-79717838-C-T. GRCh37 (hg19) VCF-style: chr18-77477838-C-T.
Other names: c.1882C>T, p.Arg628Trp (NM_001202504.1); c.2239C>T, p.Arg747Trp (NM_001318511.2, NM_048368.4); short protein forms R628W, R747W.
Identifiers: ClinVar variation 1163712 (VCV001163712.7), dbSNP rs769525684, ClinGen allele CA9010528.

ClinVar aggregate classification (germline): Uncertain significance. Review status: criteria provided, multiple submitters, no conflicts (2 of 4 stars). 2 submissions from 2 submitters: Uncertain significance (2). Last evaluated 2024-10-15.

Allele frequency attached by ClinVar (database versions not stated): ExAC 0.00001; gnomAD exomes 0.00002; gnomAD 0.00003.

Submissions (2):

Labcorp Genetics (formerly Invitae), Labcorp
Classification: Uncertain significance. Last evaluated: 2024-10-15. Review status: criteria provided, single submitter. Criteria: Invitae Variant Classification Sherloc (09022015). Collection method: clinical testing. Allele origin: germline.
Comment: This sequence change replaces arginine, which is basic and polar, with tryptophan, which is neutral and slightly polar, at codon 747 of the CTDP1 protein (p.Arg747Trp). This variant is present in population databases (rs769525684, gnomAD 0.003%). This variant has not been reported in the literature in individuals affected with CTDP1-related conditions. ClinVar contains an entry for this variant (Variation ID: 1163712). An algorithm developed to predict the effect of missense changes on protein structure and function (PolyPhen-2) suggests that this variant is likely to be disruptive. In summary, the available evidence is currently insufficient to determine the role of this variant in disease. Therefore, it has been classified as a Variant of Uncertain Significance.

Mayo Clinic Laboratories, Mayo Clinic
Classification: Uncertain significance. Last evaluated: 2019-07-07. Review status: criteria provided, single submitter. Criteria: ACMG Guidelines, 2015. Collection method: clinical testing. Allele origin: germline. Observed: 1 variant allele.